The following is an entry in ClinVar:

NM_003105.6(SORL1):c.1915C>T (p.Arg639Trp)

Gene: SORL1 (sortilin related receptor 1; plus strand). Cytogenetic location: 11q24.1.
Variant type: single nucleotide variant.
Coding change: c.1915C>T on transcript NM_003105.6 (MANE Select); coding-DNA position 1915, C replaced by T.
Protein change: p.Arg639Trp; replaces arginine 639 with tryptophan.
Molecular consequence: missense variant.
Genome position (GRCh38, 1-based): chr11:121,545,293, C>T. VCF-style: chr11-121545293-C-T. GRCh37 (hg19) VCF-style: chr11-121416002-C-T.
Other names: short protein forms R639W.
Identifiers: ClinVar variation 2515472 (VCV002515472.6), dbSNP rs778252688, ClinGen allele CA6328781.
Genomic context (GRCh38, chr11:121,545,293, plus strand): 5'-TTTTCTTTAGGAGTTCCCTGCACAGAGAATGACTACAAGCTGTGGTCACCATCTGATGAG[C>T]GGGGGAATGAGTGTTTGCTGGGACACAAGACTGTTTTCAAACGGCGGACCCCCCATGCCA-3'
Protein context (NP_003096.2, residues 629-649): DYKLWSPSDE[Arg639Trp]GNECLLGHKT

ClinVar aggregate classification (germline): Uncertain significance. Review status: criteria provided, multiple submitters, no conflicts (2 of 4 stars). 2 submissions from 2 submitters: Uncertain significance (2). Last evaluated 2025-09-04.

gnomAD v4.1: 35 of 1,613,990 alleles (0.0022%); highest among the groups gnomAD compares: South Asian, 0.013%; no homozygotes.

Submissions (2):

Ambry Genetics
Classification: Uncertain significance. Last evaluated: 2025-09-04. Review status: criteria provided, single submitter. Criteria: Ambry Variant Classification Scheme 2023. Collection method: clinical testing. Allele origin: germline.

Labcorp Genetics (formerly Invitae), Labcorp
Classification: Uncertain significance. Last evaluated: 2025-04-17. Review status: criteria provided, single submitter. Criteria: Invitae Variant Classification Sherloc (09022015). Collection method: clinical testing. Allele origin: germline.
Comment: This sequence change replaces arginine, which is basic and polar, with tryptophan, which is neutral and slightly polar, at codon 639 of the SORL1 protein (p.Arg639Trp). This variant is present in population databases (rs778252688, gnomAD 0.01%). This variant has not been reported in the literature in individuals affected with SORL1-related conditions. ClinVar contains an entry for this variant (Variation ID: 2515472). An algorithm developed to predict the effect of missense changes on protein structure and function (PolyPhen-2) suggests that this variant is likely to be disruptive. In summary, the available evidence is currently insufficient to determine the role of this variant in disease. Therefore, it has been classified as a Variant of Uncertain Significance.